The following is an entry in ClinVar:

ClinVar aggregate classification (germline): Uncertain significance (1 of 4 stars; one submission).

Submission:

Labcorp Genetics (formerly Invitae), Labcorp
Classification: Uncertain significance. Last evaluated: 2024-10-14. Review status: criteria provided, single submitter. Criteria: Invitae Variant Classification Sherloc (09022015). Collection method: clinical testing. Allele origin: germline.
Comment: This variant, c.25_30dup, results in the insertion of 2 amino acid(s) of the KIAA1549 protein (p.Arg9_Gly10dup), but otherwise preserves the integrity of the reading frame. This variant is present in population databases (no rsID available, gnomAD 0.007%). This variant has not been reported in the literature in individuals affected with KIAA1549-related conditions. Experimental studies and prediction algorithms are not available or were not evaluated, and the functional significance of this variant is currently unknown. In summary, the available evidence is currently insufficient to determine the role of this variant in disease. Therefore, it has been classified as a Variant of Uncertain Significance.

NM_001164665.2(KIAA1549):c.25_30dup (p.Arg9_Gly10dup)

Gene: KIAA1549 (KIAA1549; minus strand). Cytogenetic location: 7q34.
Variant type: Duplication.
Coding change: c.25_30dup on transcript NM_001164665.2 (MANE Select); coding-DNA positions 25 to 30, 6 bases duplicated (CGAGGC; older notation c.25_30dupCGAGGC).
Protein change: p.Arg9_Gly10dup.
Molecular consequence: inframe insertion.
Genome position (GRCh38, 1-based): chr7:138,981,240-138,981,245, GCCTCG duplicated on the plus strand (CGAGGC on the coding strand, the reverse complement: KIAA1549 is on the minus strand); duplicating any 6 consecutive bases within chr7:138,981,240-138,981,247 gives the same sequence; the c. name uses the placement nearest the transcript's 3' end. VCF-style (leftmost placement, unchanged base first): chr7-138981239-C-CGCCTCG. GRCh37 (hg19) VCF-style: chr7-138665985-C-CGCCTCG.
Other names: c.25_30dup, p.Arg9_Gly10dup (NM_020910.3).
Identifiers: ClinVar variation 1472054 (VCV001472054.7), dbSNP rs1483139806, ClinGen allele CA578208987.
Genomic context (GRCh38, chr7:138,981,239, plus strand): 5'-GTCGGCCGCTCGGCCCCGGGGCCAGCGCGACCCCGGCGCGGGGCTTCCCCTCCATGGCCG[C>CGCCTCG]GCCTCGGCGTCGGCGCCGCGCCCCCGGCATTCCCGGCCGGCGCCCCGGCCCGGCCTCGCG-3'